The following is an entry in ClinVar:

ClinVar aggregate classification (germline): Pathogenic (1 of 4 stars; one submission).

Conditions:
Autoimmune lymphoproliferative syndrome type 1. Also called: AUTOIMMUNE LYMPHOPROLIFERATIVE SYNDROME, TYPE I, AUTOSOMAL DOMINANT. Identifiers: Orphanet 3261, MedGen C2717884, MONDO:0011158, OMIM 601859.

Submission:

Labcorp Genetics (formerly Invitae), Labcorp
Classification: Pathogenic for Autoimmune lymphoproliferative syndrome. Last evaluated: 2024-05-01. Review status: criteria provided, single submitter. Criteria: Invitae Variant Classification Sherloc (09022015). Collection method: clinical testing. Allele origin: germline.
Comment: This sequence change replaces isoleucine, which is neutral and non-polar, with methionine, which is neutral and non-polar, at codon 262 of the FAS protein (p.Ile262Met). This variant is not present in population databases (gnomAD no frequency). This missense change has been observed in individual(s) with autoimmune lymphoproliferative syndrome (PMID: 32441320). Advanced modeling of protein sequence and biophysical properties (such as structural, functional, and spatial information, amino acid conservation, physicochemical variation, residue mobility, and thermodynamic stability) performed at Invitae indicates that this missense variant is expected to disrupt FAS protein function with a positive predictive value of 95%. This variant disrupts the p.Ile262 amino acid residue in FAS. Other variant(s) that disrupt this residue have been observed in individuals with FAS-related conditions (PMID: 17336828, 22983577, 32441320), which suggests that this may be a clinically significant amino acid residue. For these reasons, this variant has been classified as Pathogenic.

Literature cited by the submitters: PubMed 32441320; PubMed 17336828; PubMed 22983577.

NM_000043.6(FAS):c.786C>G (p.Ile262Met)

Gene: FAS (Fas cell surface death receptor; plus strand). Cytogenetic location: 10q23.31.
Variant type: single nucleotide variant.
Coding change: c.786C>G on transcript NM_000043.6 (MANE Select); coding-DNA position 786, C replaced by G.
Protein change: p.Ile262Met; replaces isoleucine 262 with methionine.
Molecular consequence: missense variant. On other transcripts: 3 prime UTR variant (2), non-coding transcript variant (7).
Genome position (GRCh38, 1-based): chr10:89,014,228, C>G. VCF-style: chr10-89014228-C-G. GRCh37 (hg19) VCF-style: chr10-90773985-C-G.
Other names: c.*109C>G (NM_001320619.2); c.831C>G, p.Ile277Met (NM_001410956.1); c.723C>G, p.Ile241Met (NM_152871.4); c.*98C>G (NM_152872.4); short protein forms I241M, I262M, I277M.
Identifiers: ClinVar variation 3677088 (VCV003677088.2).